The following is an entry in ClinVar:

ClinVar aggregate classification (germline): Uncertain significance. Review status: criteria provided, multiple submitters, no conflicts (2 of 4 stars). 2 submissions from 2 submitters: Uncertain significance (2). Last evaluated 2024-07-13.

Conditions:
Hereditary cancer-predisposing syndrome. Also called: Neoplastic Syndromes, Hereditary; Hereditary neoplastic syndrome; Tumor predisposition; Hereditary Cancer Syndrome. Identifiers: Orphanet 140162, MedGen C0027672, MeSH D009386, MONDO:0015356.

Allele frequency attached by ClinVar (database versions not stated): gnomAD 0.00001.
gnomAD v4.1: 1 of 1,613,976 alleles (0.000062%); highest among the groups gnomAD compares: Non-Finnish European, 0.000085%; no homozygotes.

Submissions (2):

Ambry Genetics
Classification: Uncertain significance for Hereditary cancer-predisposing syndrome. Last evaluated: 2024-07-13. Review status: criteria provided, single submitter. Criteria: Ambry Variant Classification Scheme 2023. Collection method: clinical testing. Allele origin: germline.
Comment: The p.A1150V variant (also known as c.3449C>T), located in coding exon 28 of the POLE gene, results from a C to T substitution at nucleotide position 3449. The alanine at codon 1150 is replaced by valine, an amino acid with similar properties. This amino acid position is conserved. In addition, the in silico prediction for this alteration is inconclusive. Based on the available evidence, the clinical significance of this variant remains unclear.

Labcorp Genetics (formerly Invitae), Labcorp
Classification: Uncertain significance. Last evaluated: 2023-03-04. Review status: criteria provided, single submitter. Criteria: Invitae Variant Classification Sherloc (09022015). Collection method: clinical testing. Allele origin: germline.
Comment: This variant has not been reported in the literature in individuals affected with POLE-related conditions. Advanced modeling of protein sequence and biophysical properties (such as structural, functional, and spatial information, amino acid conservation, physicochemical variation, residue mobility, and thermodynamic stability) performed at Invitae indicates that this missense variant is not expected to disrupt POLE protein function. In summary, the available evidence is currently insufficient to determine the role of this variant in disease. Therefore, it has been classified as a Variant of Uncertain Significance. This variant is not present in population databases (gnomAD no frequency). This sequence change replaces alanine, which is neutral and non-polar, with valine, which is neutral and non-polar, at codon 1150 of the POLE protein (p.Ala1150Val).

NM_006231.4(POLE):c.3449C>T (p.Ala1150Val)

Gene: POLE (DNA polymerase epsilon, catalytic subunit; minus strand). Cytogenetic location: 12q24.33.
Variant type: single nucleotide variant.
Coding change: c.3449C>T on transcript NM_006231.4 (MANE Select); coding-DNA position 3449, C replaced by T.
Protein change: p.Ala1150Val; replaces alanine 1150 with valine.
Molecular consequence: missense variant.
Genome position (GRCh38, 1-based): chr12:132,657,359, G>A on the plus strand (C>T on the coding strand, the complement: POLE is on the minus strand). VCF-style: chr12-132657359-G-A. GRCh37 (hg19) VCF-style: chr12-133233945-G-A.
Other names: c.3449C>T (NM_006231.2); short protein forms A1150V.
Identifiers: ClinVar variation 2891094 (VCV002891094.4), dbSNP rs2042567693, ClinGen allele CA387388981.